The following is an entry in ClinVar:

NM_000368.5(TSC1):c.2285A>G (p.Asn762Ser)

Gene: TSC1 (TSC complex subunit 1; minus strand). Cytogenetic location: 9q34.13.
Variant type: single nucleotide variant.
Coding change: c.2285A>G on transcript NM_000368.5 (MANE Select); coding-DNA position 2285, A replaced by G.
Protein change: p.Asn762Ser; replaces asparagine 762 with serine.
Molecular consequence: missense variant.
Genome position (GRCh38, 1-based): chr9:132,902,711, T>C on the plus strand (A>G on the coding strand, the complement: TSC1 is on the minus strand). VCF-style: chr9-132902711-T-C. GRCh37 (hg19) VCF-style: chr9-135778098-T-C.
Other names: p.N762S:AAT>AGT; c.2282A>G, p.Asn761Ser (NM_001162426.2); c.2132A>G, p.Asn711Ser (NM_001162427.2); c.1922A>G, p.Asn641Ser (NM_001362177.2); short protein forms N762S, N711S, N761S, N641S.
Identifiers: ClinVar variation 48931 (VCV000048931.81), dbSNP rs118203670, ClinGen allele CA006241.

ClinVar aggregate classification (germline): Conflicting classifications of pathogenicity. Review status: criteria provided, conflicting classifications (1 of 4 stars). 24 submissions from 23 submitters: Uncertain significance (2); Benign (9); Likely benign (8). 5 of the submissions do not count toward it. Last evaluated 2026-10-07.

Conditions:
Hereditary cancer-predisposing syndrome. Also called: Hereditary Cancer Syndrome; Tumor predisposition; Neoplastic Syndromes, Hereditary; Hereditary neoplastic syndrome. Identifiers: Orphanet 140162, MedGen C0027672, MeSH D009386, MONDO:0015356.
Tuberous sclerosis syndrome (TSC). Also called: Tuberous Sclerosis Complex; Tuberous sclerosis. Identifiers: Orphanet 805, MedGen C0041341, MONDO:0001734.
Isolated focal cortical dysplasia type II (FCORD2). Also called: CORTICAL DYSPLASIA OF TAYLOR; Focal cortical dysplasia type II. Identifiers: Orphanet 268994, MedGen C1846385, MONDO:0011818, OMIM 607341, HP:0032051.
Tuberous sclerosis 1 (TSC1). Identifiers: Orphanet 805, MedGen C1854465, MONDO:0008612, OMIM 191100.

Allele frequency attached by ClinVar (database versions not stated): gnomAD 0.00041 and 0.00042; TOPMed 0.00042; gnomAD exomes 0.00057 and 0.00040; 1000 Genomes Project 0.00020; 1000 Genomes Project 30x 0.00031; ExAC 0.00038; ESP Exome Variant Server 0.00038.
gnomAD v4.1: 878 of 1,614,204 alleles (0.054%); highest among the groups gnomAD compares: Non-Finnish European, 0.069%; 1 homozygote.

Submissions (24):

Cambridge Genomics Laboratory, East Genomic Laboratory Hub, NHS Genomic Medicine Service
Classification: Benign for Tuberous sclerosis. Last evaluated: 2026-10-07. Review status: criteria provided, single submitter. Criteria: ACGS Best Practice Guidelines for Variant Classification in Rare Disease 2020. Collection method: clinical testing. Allele origin: germline. Affected: yes.

CeGaT Center for Human Genetics Tuebingen
Classification: Likely benign. Last evaluated: 2026-06-01. Review status: criteria provided, single submitter. Criteria: CeGaT Center For Human Genetics Tuebingen Variant Classification Criteria Version 2. Collection method: clinical testing. Allele origin: germline. Affected: yes. Observed: 22 variant alleles.
Comment: TSC1: PP2, BP4, BS2

Labcorp Genetics (formerly Invitae), Labcorp
Classification: Benign for Tuberous sclerosis 1. Last evaluated: 2026-02-03. Review status: criteria provided, single submitter. Criteria: Invitae Variant Classification Sherloc (09022015). Collection method: clinical testing. Allele origin: germline.

Myriad Genetics, Inc.
Classification: Likely benign for Tuberous sclerosis 1. Last evaluated: 2025-04-24. Review status: criteria provided, single submitter. Criteria: Myriad Autosomal Dominant, Autosomal Recessive and X-Linked Classification Criteria (2023). Collection method: clinical testing. Allele origin: unknown.
Comment: This variant is considered likely benign. This variant has been observed at a population frequency that is significantly greater than expected given the associated disease prevalence and penetrance.

ARUP Laboratories, Molecular Genetics and Genomics, ARUP Laboratories
Classification: Likely benign. Last evaluated: 2024-12-17. Review status: criteria provided, single submitter. Criteria: ARUP Molecular Germline Variant Investigation Process 2024. Collection method: clinical testing. Allele origin: germline.

Blueprint Genetics
Classification: Likely benign. Last evaluated: 2024-10-24. Review status: criteria provided, single submitter. Criteria: ACMG Guidelines, 2015. Collection method: clinical testing. Allele origin: germline.

Color Diagnostics, LLC DBA Color Health
Classification: Benign for Tuberous sclerosis syndrome. Last evaluated: 2022-08-31. Review status: criteria provided, single submitter. Criteria: ACMG Guidelines, 2015. Collection method: clinical testing. Allele origin: germline.

Genome-Nilou Lab
Classification: Benign for Tuberous sclerosis 1. Last evaluated: 2021-11-07. Review status: criteria provided, single submitter. Criteria: ACMG Guidelines, 2015. Collection method: clinical testing. Allele origin: germline. Affected: no.

Institute for Clinical Genetics, University Hospital TU Dresden, University Hospital TU Dresden
Classification: Likely benign. Last evaluated: 2021-11-03. Review status: criteria provided, single submitter. Criteria: ACMG Guidelines, 2015. Collection method: clinical testing. Allele origin: germline.

Sema4
Classification: Benign for Hereditary cancer-predisposing syndrome. Last evaluated: 2020-05-22. Review status: criteria provided, single submitter. Criteria: Sema4 Curation Guidelines. Collection method: curation. Allele origin: germline.

Illumina Laboratory Services, Illumina
Classification: Likely benign for Tuberous sclerosis 1. Last evaluated: 2019-03-22. Review status: criteria provided, single submitter. Criteria: ICSL Variant Classification Criteria 13 December 2019. Collection method: clinical testing. Allele origin: germline.
Comment: This variant was observed as part of a predisposition screen in an ostensibly healthy population. A literature search was performed for the gene, cDNA change, and amino acid change (where applicable). No publications were found based on this search. Allele frequency data from public databases allowed determination this variant is unlikely to cause disease. Therefore, this variant is classified as likely benign.

Illumina Laboratory Services, Illumina
Classification: Likely benign for Isolated focal cortical dysplasia type II. Last evaluated: 2019-03-22. Review status: criteria provided, single submitter. Criteria: ICSL Variant Classification Criteria 13 December 2019. Collection method: clinical testing. Allele origin: germline.
Comment: the same text as in the submission from Illumina Laboratory Services, Illumina above.

Athena Diagnostics
Classification: Benign. Last evaluated: 2018-01-19. Review status: criteria provided, single submitter. Criteria: Athena Diagnostics Criteria. Collection method: clinical testing. Allele origin: germline.

Quest Diagnostics Nichols Institute San Juan Capistrano
Classification: Benign. Last evaluated: 2018-01-19. Review status: criteria provided, single submitter. Criteria: Quest Diagnostics criteria. Collection method: clinical testing. Allele origin: unknown.

GeneDx
Classification: Benign. Last evaluated: 2016-05-03. Review status: criteria provided, single submitter. Criteria: GeneDx Variant Classification (06012015). Collection method: clinical testing. Allele origin: germline. Affected: yes.
Comment: This variant is considered likely benign or benign based on one or more of the following criteria: it is a conservative change, it occurs at a poorly conserved position in the protein, it is predicted to be benign by multiple in silico algorithms, and/or has population frequency not consistent with disease.

Laboratory for Molecular Medicine, Mass General Brigham Personalized Medicine
Classification: Uncertain significance. Last evaluated: 2016-04-25. Review status: criteria provided, single submitter. Criteria: LMM Criteria. Collection method: clinical testing. Allele origin: germline.
Comment: Variant identified in a genome or exome case(s) and assessed due to predicted null impact of the variant or pathogenic assertions in the literature or databases. Disclaimer: This variant has not undergone full assessment. The following are preliminary notes: Functional study does not support pathogenicity; ExAC: 0.1% (37/66740) European chromosomes

Ambry Genetics
Classification: Benign for Hereditary cancer-predisposing syndrome. Last evaluated: 2014-12-03. Review status: criteria provided, single submitter. Criteria: Ambry Variant Classification Scheme 2023. Collection method: clinical testing. Allele origin: germline.

Institute of Human Genetics, University Hospital of Duesseldorf
Classification: Uncertain significance for Tuberous sclerosis 1. Review status: criteria provided, single submitter. Criteria: ACMG Guidelines, 2015. Collection method: not provided. Allele origin: germline. Inheritance: Autosomal dominant inheritance. Affected: yes.

PreventionGenetics, part of Exact Sciences
Classification: Likely benign. Review status: criteria provided, single submitter. Criteria: ACMG Guidelines, 2015. Collection method: clinical testing. Allele origin: germline.

Clinical Genetics DNA and cytogenetics Diagnostics Lab, Erasmus MC, Erasmus Medical Center
Classification: Benign. Review status: no assertion criteria provided. Collection method: clinical testing. Allele origin: germline. Affected: yes. Study: VKGL Data-share Consensus. Not counted in ClinVar's aggregate classification.

Clinical Genetics, Academic Medical Center
Classification: Likely benign. Review status: no assertion criteria provided. Collection method: clinical testing. Allele origin: germline. Affected: yes. Study: VKGL Data-share Consensus. Not counted in ClinVar's aggregate classification.

Genome Diagnostics Laboratory, Amsterdam University Medical Center
Classification: Likely benign. Review status: no assertion criteria provided. Collection method: clinical testing. Allele origin: germline. Affected: yes. Study: VKGL Data-share Consensus. Not counted in ClinVar's aggregate classification.

Genome Diagnostics Laboratory, University Medical Center Utrecht
Classification: Likely benign. Review status: no assertion criteria provided. Collection method: clinical testing. Allele origin: germline. Affected: yes. Study: VKGL Data-share Consensus. Not counted in ClinVar's aggregate classification.

Tuberous sclerosis database (TSC1)
No classification provided. Condition: TSC. Review status: no classification provided. Criteria: Tuberous Sclerosis Database Assertion Criteria 2015. Collection method: curation. Allele origin: germline. Affected: yes. Not counted in ClinVar's aggregate classification.

Literature cited by the submitters: PubMed 22161988 (cited by 3 submitters); PubMed 23514105 (cited by Athena Diagnostics and Quest Diagnostics Nichols Institute San Juan Capistrano); PubMed 25900779 (cited by Athena Diagnostics and Quest Diagnostics Nichols Institute San Juan Capistrano); PubMed 22558107 (cited by Athena Diagnostics and Quest Diagnostics Nichols Institute San Juan Capistrano).